The following is an entry in ClinVar:

NM_014014.5(SNRNP200):c.2599G>A (p.Gly867Ser)

Gene: SNRNP200 (small nuclear ribonucleoprotein U5 subunit 200; minus strand). Cytogenetic location: 2q11.2.
Variant type: single nucleotide variant.
Coding change: c.2599G>A on transcript NM_014014.5 (MANE Select); coding-DNA position 2599, G replaced by A.
Protein change: p.Gly867Ser; replaces glycine 867 with serine.
Molecular consequence: missense variant.
Genome position (GRCh38, 1-based): chr2:96,290,469, C>T on the plus strand (G>A on the coding strand, the complement: SNRNP200 is on the minus strand). VCF-style: chr2-96290469-C-T. GRCh37 (hg19) VCF-style: chr2-96956207-C-T.
Other names: short protein forms G867S.
Identifiers: ClinVar variation 2098180 (VCV002098180.4), dbSNP rs2467336075, ClinGen allele CA347676716.

ClinVar aggregate classification (germline): Uncertain significance (1 of 4 stars; one submission).

Submission:

Labcorp Genetics (formerly Invitae), Labcorp
Classification: Uncertain significance. Last evaluated: 2022-03-01. Review status: criteria provided, single submitter. Criteria: Invitae Variant Classification Sherloc (09022015). Collection method: clinical testing. Allele origin: germline.
Comment: In summary, the available evidence is currently insufficient to determine the role of this variant in disease. Therefore, it has been classified as a Variant of Uncertain Significance. Algorithms developed to predict the effect of missense changes on protein structure and function are either unavailable or do not agree on the potential impact of this missense change (SIFT: "Deleterious"; PolyPhen-2: "Probably Damaging"; Align-GVGD: "Class C0"). This missense change has been observed in individual(s) with autosomal dominant retinitis pigmentosa (PMID: 33598457). This variant is not present in population databases (gnomAD no frequency). This sequence change replaces glycine, which is neutral and non-polar, with serine, which is neutral and polar, at codon 867 of the SNRNP200 protein (p.Gly867Ser).

Literature cited by the submitters: PubMed 33598457.